The following is an entry in ClinVar:

ClinVar aggregate classification (germline): Benign (1 of 4 stars; one submission).

Conditions:
Autoimmune lymphoproliferative syndrome type 2B. Also called: AUTOIMMUNE LYMPHOPROLIFERATIVE SYNDROME, TYPE IIB. Identifiers: Orphanet 275517, MedGen C1846545, MONDO:0011804, OMIM 607271.

Allele frequency attached by ClinVar (database versions not stated): 1000 Genomes Project 0.00499; gnomAD 0.00537 and 0.00568; TOPMed 0.00600; 1000 Genomes Project 30x 0.00547.

Submission:

Illumina Laboratory Services, Illumina
Classification: Benign for Autoimmune lymphoproliferative syndrome type 2B. Last evaluated: 2018-01-12. Review status: criteria provided, single submitter. Criteria: ICSL Variant Classification Criteria 13 December 2019. Collection method: clinical testing. Allele origin: germline.
Comment: This variant was observed in the ICSL laboratory as part of a predisposition screen in an ostensibly healthy population. It had not been previously curated by ICSL or reported in the Human Gene Mutation Database (HGMD: prior to June 1st, 2018), and was therefore a candidate for classification through an automated scoring system. Utilizing variant allele frequency, disease prevalence and penetrance estimates, and inheritance mode, an automated score was calculated to assess if this variant is too frequent to cause the disease. Based on the score and internal cut-off values, a variant classified as benign is not then subjected to further curation. The score for this variant resulted in a classification of benign for this disease.

NM_001228.5(CASP8):c.-143T>G

Gene: CASP8 (caspase 8; plus strand). Cytogenetic location: 2q33.1.
Variant type: single nucleotide variant.
Coding change: c.-143T>G on transcript NM_001228.5; 143 bases upstream of the start codon, T replaced by G.
Molecular consequence: 5 prime UTR variant. On other transcripts: non-coding transcript variant (3), intron variant (5).
Genome position (GRCh38, 1-based): chr2:201,233,603, T>G. VCF-style: chr2-201233603-T-G. GRCh37 (hg19) VCF-style: chr2-202098326-T-G.
Other names: c.-143T>G (NM_001400651.1, NM_001400663.1, NM_001400679.1); c.-117T>G (NM_001400657.1, NM_001400660.1); c.-121T>G (NM_001400669.1); c.-649T>G (NM_001400677.1); c.-124+49T>G (NM_001400648.1, NM_001080124.2); c.-735+49T>G (NM_001400680.1); c.-98+49T>G (NM_033355.4, NM_001400661.1).
Identifiers: ClinVar variation 897521 (VCV000897521.6), dbSNP rs34609836, ClinGen allele CA63883362.